The following is an entry in ClinVar:

ClinVar aggregate classification (germline): Benign/Likely benign. Review status: criteria provided, multiple submitters, no conflicts (2 of 4 stars). 3 submissions from 3 submitters: Benign (1); Likely benign (2). Last evaluated 2024-09-27.

Conditions:
Familial melanoma. Also called: Hereditary melanoma; Hereditary cutaneous melanoma. Identifiers: Orphanet 618, MedGen C1512419, MONDO:0018961.
Melanoma, cutaneous malignant, susceptibility to, 3. Also called: Cutaneous malignant melanoma 3. Identifiers: Orphanet 618, MedGen C1836892, MONDO:0012183, OMIM 609048.
Hereditary cancer-predisposing syndrome. Also called: Hereditary Cancer Syndrome; Neoplastic Syndromes, Hereditary; Hereditary neoplastic syndrome; Tumor predisposition. Identifiers: Orphanet 140162, MedGen C0027672, MeSH D009386, MONDO:0015356.

Submissions (3):

Myriad Genetics, Inc.
Classification: Benign for Melanoma, cutaneous malignant, susceptibility to, 3. Last evaluated: 2024-09-27. Review status: criteria provided, single submitter. Criteria: Myriad Autosomal Dominant, Autosomal Recessive and X-Linked Classification Criteria (2023). Collection method: clinical testing. Allele origin: unknown.
Comment: This variant is considered benign. This variant is a silent/synonymous amino acid change and it is not expected to impact splicing.

Labcorp Genetics (formerly Invitae), Labcorp
Classification: Likely benign for Familial melanoma. Last evaluated: 2023-11-01. Review status: criteria provided, single submitter. Criteria: Invitae Variant Classification Sherloc (09022015). Collection method: clinical testing. Allele origin: germline.

Ambry Genetics
Classification: Likely benign for Hereditary cancer-predisposing syndrome. Last evaluated: 2020-12-16. Review status: criteria provided, single submitter. Criteria: Ambry Variant Classification Scheme 2023. Collection method: clinical testing. Allele origin: germline.

NM_000075.4(CDK4):c.870G>T (p.Leu290=)

Genes: TSPAN31 (tetraspanin 31; plus strand), CDK4 (cyclin dependent kinase 4; minus strand). Cytogenetic location: 12q14.1.
Variant type: single nucleotide variant.
Coding change: c.870G>T on transcript NM_000075.4 (MANE Select); coding-DNA position 870, G replaced by T.
Protein change: p.Leu290=; no amino-acid change (leucine 290 retained).
Molecular consequence: synonymous variant. On other transcripts: 3 prime UTR variant (3).
Genome position (GRCh38, 1-based): chr12:57,748,567, C>A on the plus strand (G>T on the coding strand, the complement: CDK4 is on the minus strand). VCF-style: chr12-57748567-C-A. GRCh37 (hg19) VCF-style: chr12-58142350-C-A.
Other names: c.*1277C>A (NM_001330168.2, NM_001330169.2, NM_005981.5).
Identifiers: ClinVar variation 1095351 (VCV001095351.12), dbSNP rs1299338481, ClinGen allele CA480299572.